The following is an entry in ClinVar:

NM_001018115.3(FANCD2):c.3683+5G>C

Genes: FANCD2 (FA complementation group D2; plus strand), FANCD2OS (FANCD2 opposite strand; minus strand). Cytogenetic location: 3p25.3.
Variant type: single nucleotide variant.
Coding change: c.3683+5G>C on transcript NM_001018115.3 (MANE Select); 5 bases into the intron after coding-DNA position 3683, G replaced by C.
Molecular consequence: intron variant.
Genome position (GRCh38, 1-based): chr3:10,088,955, G>C. VCF-style: chr3-10088955-G-C. GRCh37 (hg19) VCF-style: chr3-10130639-G-C.
Other names: c.3683+5G>C (NM_001319984.2, NM_033084.6, NM_001374254.1); c.3572+5G>C (NM_001374253.1); c.*44-7424C>G (NM_173472.2).
Identifiers: ClinVar variation 2124778 (VCV002124778.4), dbSNP rs1227232776, ClinGen allele CA2580068374.

ClinVar aggregate classification (germline): Uncertain significance (1 of 4 stars; one submission).

Conditions:
Fanconi anemia (FA). Also called: Fanconi's anemia. Identifiers: Orphanet 84, MedGen C0015625, MeSH D005199, MONDO:0019391.

Submission:

Labcorp Genetics (formerly Invitae), Labcorp
Classification: Uncertain significance for Fanconi anemia. Last evaluated: 2022-04-11. Review status: criteria provided, single submitter. Criteria: Invitae Variant Classification Sherloc (09022015). Collection method: clinical testing. Allele origin: germline.
Comment: This variant is not present in population databases (gnomAD no frequency). This sequence change falls in intron 36 of the FANCD2 gene. It does not directly change the encoded amino acid sequence of the FANCD2 protein. It affects a nucleotide within the consensus splice site. Variants that disrupt the consensus splice site are a relatively common cause of aberrant splicing (PMID: 17576681, 9536098). Algorithms developed to predict the effect of sequence changes on RNA splicing suggest that this variant is not likely to affect RNA splicing. This variant has not been reported in the literature in individuals affected with FANCD2-related conditions. In summary, the available evidence is currently insufficient to determine the role of this variant in disease. Therefore, it has been classified as a Variant of Uncertain Significance.

Literature cited by the submitters: PubMed 17576681; PubMed 9536098.